The following is an entry in ClinVar:

NM_004525.3(LRP2):c.6135_6136del (p.Ala2046fs)

Gene: LRP2 (LDL receptor related protein 2; minus strand). Cytogenetic location: 2q31.1.
Variant type: Microsatellite.
Coding change: c.6135_6136del on transcript NM_004525.3 (MANE Select); coding-DNA positions 6135 to 6136, 2 bases deleted (TG; older notation c.6135_6136delTG).
Protein change: p.Ala2046fs; shifts the reading frame from alanine 2046.
Molecular consequence: frameshift variant.
Genome position (GRCh38, 1-based): chr2:169,212,112-169,212,113, CA deleted on the plus strand (TG on the coding strand, the reverse complement: LRP2 is on the minus strand); deleting any 2 consecutive bases within chr2:169,212,112-169,212,115 gives the same sequence; the c. name uses the placement nearest the transcript's 3' end. VCF-style (leftmost placement, unchanged base first): chr2-169212111-GCA-G. GRCh37 (hg19) VCF-style: chr2-170068621-GCA-G.
Other names: short protein forms A2046fs.
Identifiers: ClinVar variation 2853621 (VCV002853621.3), dbSNP rs2545821718, ClinGen allele CA2739271570.
Genomic context (GRCh38, chr2:169,212,111, plus strand): 5'-ACAATGAAAGAGTTATATGGAGAGCAGGACCGATTATCAGGATTGAGTTTAAATCCAGTG[GCA>G]CAGGCGCAGGAAAACAATCCTCCTGGTACAGGCAGGCAAATCTGCTGACAGGCATTCATG-3'

ClinVar aggregate classification (germline): Pathogenic (1 of 4 stars; one submission).

Submission:

Labcorp Genetics (formerly Invitae), Labcorp
Classification: Pathogenic. Last evaluated: 2023-04-08. Review status: criteria provided, single submitter. Criteria: Invitae Variant Classification Sherloc (09022015). Collection method: clinical testing. Allele origin: germline.
Comment: This variant has not been reported in the literature in individuals affected with LRP2-related conditions. For these reasons, this variant has been classified as Pathogenic. This variant is not present in population databases (gnomAD no frequency). This sequence change creates a premature translational stop signal (p.Ala2046Hisfs*4) in the LRP2 gene. It is expected to result in an absent or disrupted protein product. Loss-of-function variants in LRP2 are known to be pathogenic (PMID: 17632512, 25682901).

Literature cited by the submitters: PubMed 17632512; PubMed 25682901.